The following is an entry in ClinVar:

ClinVar aggregate classification (germline): Uncertain significance. Review status: criteria provided, single submitter (1 of 4 stars). 2 submissions from 2 submitters: Uncertain significance (1). 1 of the submissions does not count toward it.

Conditions:
sperm axonema without dynein arms and nexin bridges.
axonemas with defects on microtubules.
Primary ciliary dyskinesia 15. Also called: CILIARY DYSKINESIA, PRIMARY, 15, WITH OR WITHOUT SITUS INVERSUS. Identifiers: Orphanet 244, MedGen C3151137, MONDO:0013435, OMIM 613808.

Allele frequency attached by ClinVar (database versions not stated): 1000 Genomes Project 0.00080; 1000 Genomes Project 30x 0.00125; TOPMed 0.00131; gnomAD 0.00144 and 0.00145.
gnomAD v4.1: 2,370 of 1,294,642 alleles (0.18%); highest among the groups gnomAD compares: Middle Eastern, 0.33%; 1 homozygote.

Submissions (2):

Breakthrough Genomics
Classification: Uncertain significance. Review status: criteria provided, single submitter. Criteria: ACMG Guidelines, 2015. Collection method: not provided. Allele origin: germline. Inheritance: Autosomal recessive inheritance. Affected: yes.

Laboratory of Cell Biology, Institute of Biomedical Sciences Abel Salazar University of Porto
Classification: Uncertain significance for Sperm flagellum with disorganization of outer dense fibres and fibrous sheath; sperm axonema without dynein arms and nexin bridges; axonemas with defects on microtubules. Review status: no assertion criteria provided. Collection method: research. Allele origin: germline. Inheritance: Autosomal recessive inheritance. Affected: yes. Study: Mutation analysis on patients with total sperm immotility. Not counted in ClinVar's aggregate classification.
Comment: Primary Ciliary Dyskinesia

NM_017950.4(CCDC40):c.2620-92C>T

Gene: CCDC40 (coiled-coil domain 40 molecular ruler complex subunit; plus strand). Cytogenetic location: 17q25.3.
Variant type: single nucleotide variant.
Coding change: c.2620-92C>T on transcript NM_017950.4 (MANE Select); 92 bases into the intron before coding-DNA position 2620, C replaced by T.
Molecular consequence: intron variant.
Genome position (GRCh38, 1-based): chr17:80,087,919, C>T. VCF-style: chr17-80087919-C-T. GRCh37 (hg19) VCF-style: chr17-78061718-C-T.
Other names: c.2620-92C>T (NM_001243342.2).
Identifiers: ClinVar variation 140603 (VCV000140603.3), dbSNP rs569842522, ClinGen allele CA269990.